The following is an entry in ClinVar:

ClinVar aggregate classification (germline): Uncertain significance. Review status: criteria provided, multiple submitters, no conflicts (2 of 4 stars). 3 submissions from 3 submitters: Uncertain significance (3). Last evaluated 2025-02-05.

Conditions:
Inborn genetic diseases. Identifiers: MedGen C0950123, MeSH D030342.

Allele frequency attached by ClinVar (database versions not stated): gnomAD 0.00001; gnomAD exomes 0.00001; ExAC 0.00002; TOPMed 0.00002; ESP Exome Variant Server 0.00015.
gnomAD v4.1: 19 of 1,614,096 alleles (0.0012%); highest among the groups gnomAD compares: Non-Finnish European, 0.0016%; no homozygotes.

Submissions (3):

Ambry Genetics
Classification: Uncertain significance for Inborn genetic diseases. Last evaluated: 2025-02-05. Review status: criteria provided, single submitter. Criteria: Ambry Variant Classification Scheme 2023. Collection method: clinical testing. Allele origin: germline.

Labcorp Genetics (formerly Invitae), Labcorp
Classification: Uncertain significance. Last evaluated: 2024-06-22. Review status: criteria provided, single submitter. Criteria: Invitae Variant Classification Sherloc (09022015). Collection method: clinical testing. Allele origin: germline.
Comment: This sequence change replaces tyrosine, which is neutral and polar, with cysteine, which is neutral and slightly polar, at codon 1257 of the DUOX2 protein (p.Tyr1257Cys). This variant is present in population databases (rs202111642, gnomAD 0.003%). This variant has not been reported in the literature in individuals affected with DUOX2-related conditions. ClinVar contains an entry for this variant (Variation ID: 1508348). Advanced modeling of protein sequence and biophysical properties (such as structural, functional, and spatial information, amino acid conservation, physicochemical variation, residue mobility, and thermodynamic stability) has been performed at Invitae for this missense variant, however the output from this modeling did not meet the statistical confidence thresholds required to predict the impact of this variant on DUOX2 protein function. In summary, the available evidence is currently insufficient to determine the role of this variant in disease. Therefore, it has been classified as a Variant of Uncertain Significance.

GeneDx
Classification: Uncertain significance. Last evaluated: 2022-10-31. Review status: criteria provided, single submitter. Criteria: GeneDx Variant Classification Process June 2021. Collection method: clinical testing. Allele origin: germline. Affected: yes.
Comment: In silico analysis supports that this missense variant has a deleterious effect on protein structure/function; Has not been previously published as pathogenic or benign to our knowledge

NM_001363711.2(DUOX2):c.3770A>G (p.Tyr1257Cys)

Gene: DUOX2 (dual oxidase 2; minus strand). Cytogenetic location: 15q21.1.
Variant type: single nucleotide variant.
Coding change: c.3770A>G on transcript NM_001363711.2 (MANE Select); coding-DNA position 3770, A replaced by G.
Protein change: p.Tyr1257Cys; replaces tyrosine 1257 with cysteine.
Molecular consequence: missense variant.
Genome position (GRCh38, 1-based): chr15:45,097,315, T>C on the plus strand (A>G on the coding strand, the complement: DUOX2 is on the minus strand). VCF-style: chr15-45097315-T-C. GRCh37 (hg19) VCF-style: chr15-45389513-T-C.
Other names: c.3770A>G, p.Tyr1257Cys (NM_014080.5); c.3770A>G (NM_014080.4); short protein forms Y1257C.
Identifiers: ClinVar variation 1508348 (VCV001508348.7), dbSNP rs202111642, ClinGen allele CA7537733.
Genomic context (GRCh38, chr15:45,097,315, plus strand): 5'-GCCTTCACCACGCTGATCTCCACCTTCTTCCGGCTCAGGCTCACCAGCTTGTCACCTCCA[T>C]AGATGATTGCCGGGACCAGGAAGTAGATGTGGAAAGTGGGCAGCTGGATCAGAGCATAGC-3'
Protein context (NP_001350640.1, residues 1247-1267): HIYFLVPAII[Tyr1257Cys]GGDKLVSLSR